The following is an entry in ClinVar:

ClinVar aggregate classification (germline): Uncertain significance (1 of 4 stars; one submission).

Conditions:
Spastic paraplegia. Identifiers: MedGen C0037772, HP:0001258.

Submission:

Labcorp Genetics (formerly Invitae), Labcorp
Classification: Uncertain significance for Spastic paraplegia. Last evaluated: 2024-02-17. Review status: criteria provided, single submitter. Criteria: Invitae Variant Classification Sherloc (09022015). Collection method: clinical testing. Allele origin: germline.
Comment: This sequence change replaces glycine, which is neutral and non-polar, with alanine, which is neutral and non-polar, at codon 1341 of the KDM5C protein (p.Gly1341Ala). This variant is not present in population databases (gnomAD no frequency). This variant has not been reported in the literature in individuals affected with KDM5C-related conditions. ClinVar contains an entry for this variant (Variation ID: 1375119). Advanced modeling of protein sequence and biophysical properties (such as structural, functional, and spatial information, amino acid conservation, physicochemical variation, residue mobility, and thermodynamic stability) performed at Invitae indicates that this missense variant is not expected to disrupt KDM5C protein function with a negative predictive value of 95%. In summary, the available evidence is currently insufficient to determine the role of this variant in disease. Therefore, it has been classified as a Variant of Uncertain Significance.

NM_004187.5(KDM5C):c.4022G>C (p.Gly1341Ala)

Gene: KDM5C (lysine demethylase 5C; minus strand). Cytogenetic location: Xp11.22.
Variant type: single nucleotide variant.
Coding change: c.4022G>C on transcript NM_004187.5 (MANE Select); coding-DNA position 4022, G replaced by C.
Protein change: p.Gly1341Ala; replaces glycine 1341 with alanine.
Molecular consequence: missense variant. On other transcripts: non-coding transcript variant (3).
Genome position (GRCh38, 1-based): chrX:53,194,155, C>G on the plus strand (G>C on the coding strand, the complement: KDM5C is on the minus strand). VCF-style: chrX-53194155-C-G. GRCh37 (hg19) VCF-style: chrX-53223337-C-G.
Other names: c.3821G>C, p.Gly1274Ala (NM_001146702.2); c.4019G>C, p.Gly1340Ala (NM_001282622.3, NM_001353979.2, NM_001353982.2); c.4022G>C, p.Gly1341Ala (NM_001353978.3, NM_001353981.2, NM_001353984.2); short protein forms G1341A, G1274A, G1340A.
Identifiers: ClinVar variation 1375119 (VCV001375119.6), dbSNP rs2146819122, ClinGen allele CA413105812.